The following is an entry in ClinVar:

ClinVar aggregate classification (germline): Uncertain significance (1 of 4 stars; one submission).

Conditions:
Breast-ovarian cancer, familial, susceptibility to, 4. Identifiers: Orphanet 145, MedGen C3280345, MONDO:0013669, OMIM 614291.

Submission:

Labcorp Genetics (formerly Invitae), Labcorp
Classification: Uncertain significance for Breast-ovarian cancer, familial, susceptibility to, 4. Last evaluated: 2024-11-22. Review status: criteria provided, single submitter. Criteria: Invitae Variant Classification Sherloc (09022015). Collection method: clinical testing. Allele origin: germline.
Comment: This sequence change replaces aspartic acid, which is acidic and polar, with histidine, which is basic and polar, at codon 94 of the RAD51D protein (p.Asp94His). This variant is not present in population databases (gnomAD no frequency). This variant has not been reported in the literature in individuals affected with RAD51D-related conditions. ClinVar contains an entry for this variant (Variation ID: 945656). Invitae Evidence Modeling of protein sequence and biophysical properties (such as structural, functional, and spatial information, amino acid conservation, physicochemical variation, residue mobility, and thermodynamic stability) indicates that this missense variant is expected to disrupt RAD51D protein function with a positive predictive value of 80%. In summary, the available evidence is currently insufficient to determine the role of this variant in disease. Therefore, it has been classified as a Variant of Uncertain Significance.

NM_002878.4(RAD51D):c.280G>C (p.Asp94His)

Genes: RAD51D (RAD51 paralog D; minus strand), RAD51L3-RFFL (RAD51L3-RFFL readthrough; minus strand). Cytogenetic location: 17q12.
Variant type: single nucleotide variant.
Coding change: c.280G>C on transcript NM_002878.4 (MANE Select); coding-DNA position 280, G replaced by C.
Protein change: p.Asp94His; replaces aspartic acid 94 with histidine.
Molecular consequence: missense variant. On other transcripts: non-coding transcript variant (2), intron variant (1).
Genome position (GRCh38, 1-based): chr17:35,107,431, C>G on the plus strand (G>C on the coding strand, the complement: RAD51D is on the minus strand). VCF-style: chr17-35107431-C-G. GRCh37 (hg19) VCF-style: chr17-33434450-C-G.
Other names: c.340G>C, p.Asp114His (NM_001142571.2); c.145-950G>C (NM_133629.3); short protein forms D114H, D94H.
Identifiers: ClinVar variation 945656 (VCV000945656.9), dbSNP rs2091621558, ClinGen allele CA399090004.